The following is an entry in ClinVar:

ClinVar aggregate classification (germline): Uncertain significance (1 of 4 stars; one submission).

Conditions:
Joubert syndrome 23 (JBTS23). Identifiers: Orphanet 475, MedGen C4084822, MONDO:0014664, OMIM 616490.
Short-rib thoracic dysplasia 14 with polydactyly (SRTD14). Identifiers: Orphanet 397715, MedGen C4225286, MONDO:0014688, OMIM 616546.

Allele frequency attached by ClinVar (database versions not stated): TOPMed 0.00001.

Submission:

Labcorp Genetics (formerly Invitae), Labcorp
Classification: Uncertain significance for Joubert syndrome 23; Short-rib thoracic dysplasia 14 with polydactyly. Last evaluated: 2022-06-05. Review status: criteria provided, single submitter. Criteria: Invitae Variant Classification Sherloc (09022015). Collection method: clinical testing. Allele origin: germline.
Comment: This sequence change replaces threonine, which is neutral and polar, with isoleucine, which is neutral and non-polar, at codon 1166 of the KIAA0586 protein (p.Thr1166Ile). In summary, the available evidence is currently insufficient to determine the role of this variant in disease. Therefore, it has been classified as a Variant of Uncertain Significance. Algorithms developed to predict the effect of sequence changes on RNA splicing suggest that this variant may create or strengthen a splice site. Algorithms developed to predict the effect of missense changes on protein structure and function are either unavailable or do not agree on the potential impact of this missense change (SIFT: "Deleterious"; PolyPhen-2: "Probably Damaging"; Align-GVGD: "Class C0"). This variant has not been reported in the literature in individuals affected with KIAA0586-related conditions. This variant is not present in population databases (gnomAD no frequency).

NM_001329943.3(KIAA0586):c.3338C>T (p.Thr1113Ile)

Gene: KIAA0586 (KIAA0586; plus strand). Cytogenetic location: 14q23.1.
Variant type: single nucleotide variant.
Coding change: c.3338C>T on transcript NM_001329943.3 (MANE Select); coding-DNA position 3338, C replaced by T.
Protein change: p.Thr1113Ile; replaces threonine 1113 with isoleucine.
Molecular consequence: missense variant.
Genome position (GRCh38, 1-based): chr14:58,487,920, C>T. VCF-style: chr14-58487920-C-T. GRCh37 (hg19) VCF-style: chr14-58954638-C-T.
Other names: c.3497C>T, p.Thr1166Ile (NM_001244189.2); c.3293C>T, p.Thr1098Ile (NM_001244190.2); c.3083C>T, p.Thr1028Ile (NM_001244191.2, NM_001329945.2, NM_001364700.1 and 1 more transcripts); c.3206C>T, p.Thr1069Ile (NM_001244192.2); c.2918C>T, p.Thr973Ile (NM_001244193.2); c.3338C>T, p.Thr1113Ile (NM_001329944.2, NM_001329946.2, NM_001329947.2); c.3110C>T, p.Thr1037Ile (NM_014749.5); short protein forms T973I, T1069I, T1098I, T1113I, T1028I, T1037I, T1166I.
Identifiers: ClinVar variation 1941562 (VCV001941562.5), dbSNP rs1248102573, ClinGen allele CA389881674.